The following is an entry in ClinVar:

ClinVar aggregate classification (germline): Uncertain significance (1 of 4 stars; one submission).

Allele frequency attached by ClinVar (database versions not stated): gnomAD exomes 0.00001.

Submission:

GeneDx
Classification: Uncertain significance. Last evaluated: 2022-05-12. Review status: criteria provided, single submitter. Criteria: GeneDx Variant Classification Process June 2021. Collection method: clinical testing. Allele origin: germline. Affected: yes.
Comment: Not observed at significant frequency in large population cohorts (gnomAD); In silico analysis supports that this variant does not alter splicing; Has not been previously published as pathogenic or benign to our knowledge

NM_002473.6(MYH9):c.4446C>G (p.Ala1482=)

Gene: MYH9 (myosin heavy chain 9; minus strand). Cytogenetic location: 22q12.3.
Variant type: single nucleotide variant.
Coding change: c.4446C>G on transcript NM_002473.6 (MANE Select); coding-DNA position 4446, C replaced by G.
Protein change: p.Ala1482=; no amino-acid change (alanine 1482 retained).
Molecular consequence: synonymous variant.
Genome position (GRCh38, 1-based): chr22:36,289,196, G>C on the plus strand (C>G on the coding strand, the complement: MYH9 is on the minus strand). VCF-style: chr22-36289196-G-C. GRCh37 (hg19) VCF-style: chr22-36685242-G-C.
Identifiers: ClinVar variation 1723728 (VCV001723728.2), dbSNP rs991260858, ClinGen allele CA323588768.